The following is an entry in ClinVar:

ClinVar aggregate classification (germline): Likely benign. Review status: criteria provided, multiple submitters, no conflicts (2 of 4 stars). 5 submissions from 4 submitters: Likely benign (5). Last evaluated 2025-10-13.

Conditions:
Aortic valve disease 1 (AOVD1). Identifiers: MedGen C3887892, MONDO:0024523, OMIM 109730.
Familial thoracic aortic aneurysm and aortic dissection (TAAD). Also called: Thoracic aortic aneurysms and dissections. Identifiers: Orphanet 91387, MedGen C4707243, MONDO:0019625.
Adams-Oliver syndrome 5 (AOS5). Identifiers: Orphanet 974, MedGen C4014970, MONDO:0014459, OMIM 616028.

Allele frequency attached by ClinVar (database versions not stated): gnomAD 0.00001; TOPMed 0.00001; gnomAD exomes 0.00002 and 0.00003; ExAC 0.00009; 1000 Genomes Project 30x 0.00016; 1000 Genomes Project 0.00020.
gnomAD v4.1: 39 of 1,542,144 alleles (0.0025%); highest among the groups gnomAD compares: African/African-American, 0.0055%; no homozygotes.

Submissions (5):

Labcorp Genetics (formerly Invitae), Labcorp
Classification: Likely benign for Adams-Oliver syndrome 5. Last evaluated: 2025-10-13. Review status: criteria provided, single submitter. Criteria: Invitae Variant Classification Sherloc (09022015). Collection method: clinical testing. Allele origin: germline.

Ambry Genetics
Classification: Likely benign for Familial thoracic aortic aneurysm and aortic dissection. Last evaluated: 2024-02-09. Review status: criteria provided, single submitter. Criteria: Ambry Variant Classification Scheme 2023. Collection method: clinical testing. Allele origin: germline.

Genome-Nilou Lab
Classification: Likely benign for Adams-Oliver syndrome 5. Last evaluated: 2022-03-15. Review status: criteria provided, single submitter. Criteria: ACMG Guidelines, 2015. Collection method: clinical testing. Allele origin: germline. Affected: no.

Genome-Nilou Lab
Classification: Likely benign for Aortic valve disease 1. Last evaluated: 2022-03-15. Review status: criteria provided, single submitter. Criteria: ACMG Guidelines, 2015. Collection method: clinical testing. Allele origin: germline. Affected: no.

GeneDx
Classification: Likely benign. Last evaluated: 2017-09-13. Review status: criteria provided, single submitter. Criteria: GeneDx Variant Classification (06012015). Collection method: clinical testing. Allele origin: germline. Affected: yes.
Comment: This variant is considered likely benign or benign based on one or more of the following criteria: it is a conservative change, it occurs at a poorly conserved position in the protein, it is predicted to be benign by multiple in silico algorithms, and/or has population frequency not consistent with disease.

NM_017617.5(NOTCH1):c.687C>T (p.Asn229=)

Gene: NOTCH1 (notch receptor 1; minus strand). Cytogenetic location: 9q34.3.
Variant type: single nucleotide variant.
Coding change: c.687C>T on transcript NM_017617.5 (MANE Select); coding-DNA position 687, C replaced by T.
Protein change: p.Asn229=; no amino-acid change (asparagine 229 retained).
Molecular consequence: synonymous variant.
Genome position (GRCh38, 1-based): chr9:136,522,905, G>A on the plus strand (C>T on the coding strand, the complement: NOTCH1 is on the minus strand). VCF-style: chr9-136522905-G-A. GRCh37 (hg19) VCF-style: chr9-139417357-G-A.
Other names: c.687C>T, p.Asn229= (LRG_1122t1).
Identifiers: ClinVar variation 415436 (VCV000415436.14), dbSNP rs535217359, ClinGen allele CA5342101.